The following is an entry in ClinVar:

NM_004168.4(SDHA):c.1979C>T (p.Ala660Val)

Gene: SDHA (succinate dehydrogenase complex flavoprotein subunit A; plus strand). Cytogenetic location: 5p15.33.
Variant type: single nucleotide variant.
Coding change: c.1979C>T on transcript NM_004168.4 (MANE Select); coding-DNA position 1979, C replaced by T.
Protein change: p.Ala660Val; replaces alanine 660 with valine.
Molecular consequence: missense variant.
Genome position (GRCh38, 1-based): chr5:256,404, C>T. VCF-style: chr5-256404-C-T. GRCh37 (hg19) VCF-style: chr5-256519-C-T.
Other names: c.1835C>T, p.Ala612Val (NM_001294332.2); c.1736C>T, p.Ala579Val (NM_001330758.2); c.1979C>T (NM_004168.2); short protein forms A579V, A612V, A660V.
Identifiers: ClinVar variation 656870 (VCV000656870.10), dbSNP rs191412461, ClinGen allele CA359003144.

ClinVar aggregate classification (germline): Uncertain significance. Review status: criteria provided, multiple submitters, no conflicts (2 of 4 stars). 2 submissions from 2 submitters: Uncertain significance (2). Last evaluated 2026-03-13.

Conditions:
Hereditary cancer-predisposing syndrome. Also called: Tumor predisposition; Neoplastic Syndromes, Hereditary; Hereditary Cancer Syndrome; Hereditary neoplastic syndrome. Identifiers: Orphanet 140162, MedGen C0027672, MeSH D009386, MONDO:0015356.
Pheochromocytoma/paraganglioma syndrome 5. Also called: Paragangliomas 5; SDHA-Related Hereditary Paraganglioma-Pheochromocytoma Syndrome. Identifiers: Orphanet 29072, MedGen C3279992, MONDO:0013602, OMIM 614165.
Mitochondrial complex II deficiency, nuclear type 1. Also called: SUCCINATE CoQ REDUCTASE DEFICIENCY. Identifiers: Orphanet 3208, MedGen C5700310, MONDO:0100294, OMIM 252011.

Allele frequency attached by ClinVar (database versions not stated): TOPMed 0.00001.

Submissions (2):

Ambry Genetics
Classification: Uncertain significance for Hereditary cancer-predisposing syndrome. Last evaluated: 2026-03-13. Review status: criteria provided, single submitter. Criteria: Ambry Variant Classification Scheme 2023. Collection method: clinical testing. Allele origin: germline.
Comment: The p.A660V variant (also known as c.1979C>T), located in coding exon 15 of the SDHA gene, results from a C to T substitution at nucleotide position 1979. The alanine at codon 660 is replaced by valine, an amino acid with similar properties. This amino acid position is highly conserved in available vertebrate species. In addition, the in silico prediction for this alteration is inconclusive. Based on the available evidence, the clinical significance of this variant remains unclear.

Labcorp Genetics (formerly Invitae), Labcorp
Classification: Uncertain significance for Pheochromocytoma/paraganglioma syndrome 5; Mitochondrial complex II deficiency, nuclear type 1. Last evaluated: 2025-11-10. Review status: criteria provided, single submitter. Criteria: Invitae Variant Classification Sherloc (09022015). Collection method: clinical testing. Allele origin: germline.
Comment: This sequence change replaces alanine, which is neutral and non-polar, with valine, which is neutral and non-polar, at codon 660 of the SDHA protein (p.Ala660Val). This variant is not present in population databases (gnomAD no frequency). This variant has not been reported in the literature in individuals affected with SDHA-related conditions. ClinVar contains an entry for this variant (Variation ID: 656870). Invitae Evidence Modeling of protein sequence and biophysical properties (such as structural, functional, and spatial information, amino acid conservation, physicochemical variation, residue mobility, and thermodynamic stability) indicates that this missense variant is not expected to disrupt SDHA protein function with a negative predictive value of 95%. In summary, the available evidence is currently insufficient to determine the role of this variant in disease. Therefore, it has been classified as a Variant of Uncertain Significance.